The following is an entry in ClinVar:

ClinVar aggregate classification (germline): Pathogenic (1 of 4 stars; one submission).

Conditions:
Long QT syndrome (LQTS). Identifiers: MedGen C0023976, MeSH D008133, MONDO:0002442. Disease mechanism: loss of function. Inheritance: Various modes of inheritance.

Submission:

Labcorp Genetics (formerly Invitae), Labcorp
Classification: Pathogenic for Long QT syndrome. Last evaluated: 2024-11-03. Review status: criteria provided, single submitter. Criteria: Invitae Variant Classification Sherloc (09022015). Collection method: clinical testing. Allele origin: germline.
Comment: This variant results in the deletion of part of exon 7 (c.1720_1945+102del) of the KCNH2 gene. It is expected to disrupt RNA splicing. Variants that disrupt the donor or acceptor splice site typically lead to a loss of protein function (PMID: 16199547), and loss-of-function variants in KCNH2 are known to be pathogenic (PMID: 10973849, 19862833). This variant is not present in population databases (gnomAD no frequency). This variant has been observed in individual(s) with long QT syndrome (internal data). Algorithms developed to predict the effect of sequence changes on RNA splicing suggest that this variant may disrupt the consensus splice site. This variant disrupts a region of the KCNH2 protein in which other variant(s) (p.Met645Arg) have been determined to be pathogenic (PMID: 22407026; internal data). This suggests that this is a clinically significant region of the protein, and that variants that disrupt it are likely to be disease-causing. For these reasons, this variant has been classified as Pathogenic.

Literature cited by the submitters: PubMed 16199547; PubMed 10973849; PubMed 19862833; PubMed 22407026.

NM_000238.4(KCNH2):c.1720_1945+102del

Gene: KCNH2 (potassium voltage-gated channel subfamily H member 2; minus strand). Cytogenetic location: 7q36.1.
Variant type: Deletion.
Coding change: c.1720_1945+102del on transcript NM_000238.4 (MANE Select); coding-DNA position 1720 through 102 bases into the intron after coding-DNA position 1945, 328 bases deleted.
Molecular consequence: splice donor variant.
Genome position (GRCh38, 1-based): chr7:150,951,346-150,951,673, 328 bases deleted. GRCh37 (hg19): chr7:150,648,437-150,648,764.
Other names: c.1432_1657+102del (NM_001406753.1, NM_001406756.1); c.700_925+102del (NM_172057.3, NM_001204798.2); c.1720_1945+102del (NM_172056.3); c.1543_1768+102del (NM_001406755.1); c.1420_1645+102del (NM_001406757.1).
Identifiers: ClinVar variation 2032030 (VCV002032030.4), dbSNP rs2486034553, ClinGen allele CA2580077798.